The following is an entry in ClinVar:

NM_001035.3(RYR2):c.4101A>G (p.Lys1367=)

Genes: RYR2 (ryanodine receptor 2; plus strand), LOC126806067 (BRD4-independent group 4 enhancer GRCh37_chr1:237753258-237754457; plus strand). Cytogenetic location: 1q43.
Variant type: single nucleotide variant.
Coding change: c.4101A>G on transcript NM_001035.3 (MANE Select); coding-DNA position 4101, A replaced by G.
Protein change: p.Lys1367=; no amino-acid change (lysine 1367 retained).
Molecular consequence: synonymous variant.
Genome position (GRCh38, 1-based): chr1:237,590,933, A>G. VCF-style: chr1-237590933-A-G. GRCh37 (hg19) VCF-style: chr1-237754233-A-G.
Identifiers: ClinVar variation 707295 (VCV000707295.22), dbSNP rs376792533, ClinGen allele CA086534.

ClinVar aggregate classification (germline): Benign/Likely benign. Review status: criteria provided, multiple submitters, no conflicts (2 of 4 stars). 7 submissions from 7 submitters: Benign (1); Likely benign (6). Last evaluated 2026-01-27.

Conditions:
Cardiomyopathy (CMYO). Also called: Cardiomyopathies. Identifiers: Orphanet 167848, MedGen C0878544, MONDO:0004994, HP:0001638. Inheritance: Various modes of inheritance.
Cardiovascular phenotype. Identifiers: MedGen CN230736.
Catecholaminergic polymorphic ventricular tachycardia (CVPT). Also called: Catecholamine-induced polymorphic ventricular tachycardia. Identifiers: Orphanet 3286, MedGen C5574922, MONDO:0017990.
Catecholaminergic polymorphic ventricular tachycardia 1. Also called: VENTRICULAR TACHYCARDIA, STRESS-INDUCED POLYMORPHIC 1; VENTRICULAR TACHYCARDIA, CATECHOLAMINERGIC POLYMORPHIC, 1, WITH OR WITHOUT ATRIAL DYSFUNCTION AND/OR DILATED CARDIOMYOPATHY; RYR2-Related Catecholaminergic Polymorphic Ventricular Tachycardia. Identifiers: Orphanet 3286, MedGen C1631597, MONDO:0011484, OMIM 604772.

Allele frequency attached by ClinVar (database versions not stated): gnomAD exomes 0.00001 and 0.00003; ExAC 0.00004; gnomAD 0.00007 and 0.00008; TOPMed 0.00011; ESP Exome Variant Server 0.00017.
gnomAD v4.1: 27 of 1,613,742 alleles (0.0017%); highest among the groups gnomAD compares: African/African-American, 0.029%; 1 homozygote.

Submissions (7):

Labcorp Genetics (formerly Invitae), Labcorp
Classification: Likely benign for Catecholaminergic polymorphic ventricular tachycardia 1. Last evaluated: 2026-01-27. Review status: criteria provided, single submitter. Criteria: Invitae Variant Classification Sherloc (09022015). Collection method: clinical testing. Allele origin: germline.

All of Us Research Program, National Institutes of Health
Classification: Likely benign for Catecholaminergic polymorphic ventricular tachycardia. Last evaluated: 2023-11-30. Review status: criteria provided, single submitter. Criteria: ACMG Guidelines, 2015. Collection method: clinical testing. Allele origin: germline. Inheritance: Autosomal dominant inheritance. Observed: 6 variant alleles, 6 heterozygotes.
Comment: This study involves interpretation of variants in research participants for the purpose of population health screening. Participant phenotype was not available at the time of variant classification. Additional details can be found in publication PMID: 35346344, PMCID: PMC8962531

Ambry Genetics
Classification: Likely benign for Cardiovascular phenotype. Last evaluated: 2022-08-27. Review status: criteria provided, single submitter. Criteria: Ambry Variant Classification Scheme 2023. Collection method: clinical testing. Allele origin: germline.

Blueprint Genetics
Classification: Likely benign. Last evaluated: 2022-07-04. Review status: criteria provided, single submitter. Criteria: ACMG Guidelines, 2015. Collection method: clinical testing. Allele origin: germline.

GeneDx
Classification: Likely benign. Last evaluated: 2021-06-01. Review status: criteria provided, single submitter. Criteria: GeneDx Variant Classification Process June 2021. Collection method: clinical testing. Allele origin: germline. Affected: yes.

Color Diagnostics, LLC DBA Color Health
Classification: Likely benign for Cardiomyopathy. Last evaluated: 2020-03-03. Review status: criteria provided, single submitter. Criteria: ACMG Guidelines, 2015. Collection method: clinical testing. Allele origin: germline.

CHEO Genetics Diagnostic Laboratory, Children's Hospital of Eastern Ontario
Classification: Benign for Cardiomyopathy. Last evaluated: 2018-03-28. Review status: criteria provided, single submitter. Criteria: ACMG Guidelines, 2015. Collection method: clinical testing. Allele origin: germline.